The following is an entry in ClinVar:

ClinVar aggregate classification (germline): Uncertain significance (1 of 4 stars; one submission).

gnomAD v4.1: 1 of 1,613,890 alleles (0.000062%); highest among the groups gnomAD compares: Non-Finnish European, 0.000085%; no homozygotes.

Submission:

Women's Health and Genetics/Laboratory Corporation of America, LabCorp
Classification: Uncertain significance. Last evaluated: 2025-02-24. Review status: criteria provided, single submitter. Criteria: LabCorp Variant Classification Summary - May 2015. Collection method: clinical testing. Allele origin: germline.
Comment: Variant summary: KIF5C c.1051G>C (p.Glu351Gln) results in a conservative amino acid change located in the P-loop containing nucleoside triphosphate hydrolases domain (IPR027417) of the encoded protein sequence. Four of five in-silico tools predict a benign effect of the variant on protein function. The variant was absent in 248244 control chromosomes. The available data on variant occurrences in the general population are insufficient to allow any conclusion about variant significance. To our knowledge, no occurrence of c.1051G>C in individuals affected with Complex Cortical Dysplasia With Other Brain Malformations 2 and no experimental evidence demonstrating its impact on protein function have been reported. No submitters have cited clinical-significance assessments for this variant to ClinVar. Based on the evidence outlined above, the variant was classified as uncertain significance.

NM_004522.3(KIF5C):c.1051G>C (p.Glu351Gln)

Gene: KIF5C (kinesin family member 5C; plus strand). Cytogenetic location: 2q23.1.
Variant type: single nucleotide variant.
Coding change: c.1051G>C on transcript NM_004522.3 (MANE Select); coding-DNA position 1051, G replaced by C.
Protein change: p.Glu351Gln; replaces glutamic acid 351 with glutamine.
Molecular consequence: missense variant. On other transcripts: non-coding transcript variant (1).
Genome position (GRCh38, 1-based): chr2:148,962,053, G>C. VCF-style: chr2-148962053-G-C. GRCh37 (hg19) VCF-style: chr2-149818567-G-C.
Other names: short protein forms E351Q.
Identifiers: ClinVar variation 3768844 (VCV003768844.1).
Genomic context (GRCh38, chr2:148,962,053, plus strand): 5'-GTCTCTGTGAACCTAGAACTGACAGCAGAAGAATGGAAGAAGAAATATGAAAAAGAGAAA[G>C]AGAAAAACAAGACTTTGAAGAATGTTATCCAGCATCTGGAGATGGAGCTAAACAGGTGGA-3'
Protein context (NP_004513.1, residues 341-361): EWKKKYEKEK[Glu351Gln]KNKTLKNVIQ